The following is an entry in ClinVar:

ClinVar aggregate classification (germline): Uncertain significance (1 of 4 stars; one submission).

Conditions:
Hypertrophic cardiomyopathy. Also called: HYPERTROPHIC MYOCARDIOPATHY. Identifiers: Orphanet 217569, MedGen C0007194, MeSH D002312, MONDO:0005045, HP:0001639.

Submission:

Labcorp Genetics (formerly Invitae), Labcorp
Classification: Uncertain significance for Hypertrophic cardiomyopathy. Last evaluated: 2025-02-12. Review status: criteria provided, single submitter. Criteria: Invitae Variant Classification Sherloc (09022015). Collection method: clinical testing. Allele origin: germline.
Comment: This sequence change replaces alanine, which is neutral and non-polar, with proline, which is neutral and non-polar, at codon 116 of the MYBPC3 protein (p.Ala116Pro). This variant is not present in population databases (gnomAD no frequency). This variant has not been reported in the literature in individuals affected with MYBPC3-related conditions. An algorithm developed to predict the effect of missense changes on protein structure and function (PolyPhen-2) suggests that this variant is likely to be tolerated. In summary, the available evidence is currently insufficient to determine the role of this variant in disease. Therefore, it has been classified as a Variant of Uncertain Significance.

NM_000256.3(MYBPC3):c.346G>C (p.Ala116Pro)

Gene: MYBPC3 (myosin binding protein C3; minus strand). Cytogenetic location: 11p11.2.
Variant type: single nucleotide variant.
Coding change: c.346G>C on transcript NM_000256.3 (MANE Select); coding-DNA position 346, G replaced by C.
Protein change: p.Ala116Pro; replaces alanine 116 with proline.
Molecular consequence: missense variant.
Genome position (GRCh38, 1-based): chr11:47,350,562, C>G on the plus strand (G>C on the coding strand, the complement: MYBPC3 is on the minus strand). VCF-style: chr11-47350562-C-G. GRCh37 (hg19) VCF-style: chr11-47372113-C-G.
Other names: short protein forms A116P.
Identifiers: ClinVar variation 4712953 (VCV004712953.1).